The following is an entry in ClinVar:

NM_023110.3(FGFR1):c.1900G>A (p.Asp634Asn)

Gene: FGFR1 (fibroblast growth factor receptor 1; minus strand). Cytogenetic location: 8p11.23.
Variant type: single nucleotide variant.
Coding change: c.1900G>A on transcript NM_023110.3 (MANE Select); coding-DNA position 1900, G replaced by A.
Protein change: p.Asp634Asn; replaces aspartic acid 634 with asparagine.
Molecular consequence: missense variant.
Genome position (GRCh38, 1-based): chr8:38,414,856, C>T on the plus strand (G>A on the coding strand, the complement: FGFR1 is on the minus strand). VCF-style: chr8-38414856-C-T. GRCh37 (hg19) VCF-style: chr8-38272374-C-T.
Other names: c.1894G>A, p.Asp632Asn (NM_001174063.2, NM_001174065.2, NM_001354367.2 and 1 more transcripts); c.1870G>A, p.Asp624Asn (NM_001174064.2); c.1633G>A, p.Asp545Asn (NM_001174066.2, NM_023105.3); c.1993G>A, p.Asp665Asn (NM_001174067.2); c.1621G>A, p.Asp541Asn (NM_001354368.2); c.1888G>A, p.Asp630Asn (NM_001354369.2); c.1627G>A, p.Asp543Asn (NM_001354370.2, NM_023106.3); short protein forms D541N, D543N, D545N, D624N, D630N, D632N, D634N, D665N.
Identifiers: ClinVar variation 1306134 (VCV001306134.3), dbSNP rs2150563531, ClinGen allele CA370730430.

ClinVar aggregate classification (germline): Uncertain significance (1 of 4 stars; one submission).

Submission:

GeneDx
Classification: Uncertain significance. Last evaluated: 2024-03-18. Review status: criteria provided, single submitter. Criteria: GeneDx Variant Classification Process June 2021. Collection method: clinical testing. Allele origin: germline. Affected: yes.
Comment: Not observed at significant frequency in large population cohorts (gnomAD); In silico analysis supports that this missense variant does not alter protein structure/function; Has not been previously published as pathogenic or benign to our knowledge